The following is an entry in ClinVar:

NM_000277.3(PAH):c.1189G>T (p.Glu397Ter)

Gene: PAH (phenylalanine hydroxylase; minus strand). Cytogenetic location: 12q23.2.
Variant type: single nucleotide variant.
Coding change: c.1189G>T on transcript NM_000277.3 (MANE Select); coding-DNA position 1189, G replaced by T.
Protein change: p.Glu397Ter; replaces glutamic acid 397 with a stop codon.
Molecular consequence: nonsense.
Genome position (GRCh38, 1-based): chr12:102,843,656, C>A on the plus strand (G>T on the coding strand, the complement: PAH is on the minus strand). VCF-style: chr12-102843656-C-A. GRCh37 (hg19) VCF-style: chr12-103237434-C-A.
Other names: c.1189G>T, p.Glu397Ter (NM_001354304.2); short protein forms E397*.
Identifiers: ClinVar variation 3063874 (VCV003063874.1), dbSNP rs1237673210, ClinGen allele CA386493144.
Genomic context (GRCh38, chr12:102,843,656, plus strand): 5'-CCAGTCAGGAGGCCCCCAGAGCTAGTGGCTCACCTTTGTCACCACCTCACCTTACTTTCT[C>A]CTTGGCATCATTAAAACTCTCTGCCACGTAATAGAGGGGCTGGAACTCCGTGACAGTGTA-3'

ClinVar aggregate classification (germline): Pathogenic (1 of 4 stars; one submission).

Conditions:
Phenylketonuria (PKU). Also called: OLIGOPHRENIA PHENYLPYRUVICA; Phenylketonuria (PKU); FOLLING DISEASE; Phenylketonurias. Identifiers: Orphanet 716, MedGen C0031485, MONDO:0009861, OMIM 261600. Disease mechanism: loss of function.

Submission:

Women's Health and Genetics/Laboratory Corporation of America, LabCorp
Classification: Pathogenic for Phenylketonuria. Last evaluated: 2024-01-12. Review status: criteria provided, single submitter. Criteria: LabCorp Variant Classification Summary - May 2015. Collection method: clinical testing. Allele origin: germline.
Comment: Variant summary: PAH c.1189G>T (p.Glu397X) results in a premature termination codon, predicted to cause absence of the protein due to nonsense mediated decay, which is a commonly known mechanism for disease. The variant was absent in 251302 control chromosomes. To our knowledge, no occurrence of c.1189G>T in individuals affected with Phenylalanine Hydroxylase Deficiency (Phenylketonuria) and no experimental evidence demonstrating its impact on protein function have been reported. No submitters have cited clinical-significance assessments for this variant to ClinVar. Based on the evidence outlined above, the variant was classified as pathogenic.